The following is an entry in ClinVar:

NM_000038.6(APC):c.6152A>G (p.Lys2051Arg)

Gene: APC (APC regulator of Wnt signaling pathway; plus strand). Cytogenetic location: 5q22.2.
Variant type: single nucleotide variant.
Coding change: c.6152A>G on transcript NM_000038.6 (MANE Select); coding-DNA position 6152, A replaced by G.
Protein change: p.Lys2051Arg; replaces lysine 2051 with arginine.
Molecular consequence: missense variant.
Genome position (GRCh38, 1-based): chr5:112,841,746, A>G. VCF-style: chr5-112841746-A-G. GRCh37 (hg19) VCF-style: chr5-112177443-A-G.
Other names: c.6077A>G, p.Lys2026Arg (NM_001354898.2); c.6068A>G, p.Lys2023Arg (NM_001354899.2); c.6029A>G, p.Lys2010Arg (NM_001354900.2); c.5975A>G, p.Lys1992Arg (NM_001354901.2); c.5879A>G, p.Lys1960Arg (NM_001354902.2); c.5849A>G, p.Lys1950Arg (NM_001354903.2); c.5774A>G, p.Lys1925Arg (NM_001354904.2); c.5672A>G, p.Lys1891Arg (NM_001354905.2); and 5 more; short protein forms K2033R, K2051R, K1950R, K1768R, K2010R, K2026R, K2061R, K1891R.
Identifiers: ClinVar variation 559958 (VCV000559958.13), dbSNP rs1554087256, ClinGen allele CA16034802.

ClinVar aggregate classification (germline): Uncertain significance. Review status: criteria provided, single submitter (1 of 4 stars). 2 submissions from 2 submitters: Uncertain significance (1). 1 of the submissions does not count toward it. Last evaluated 2024-02-10.

Conditions:
Rectum adenocarcinoma. Also called: Rectal Adenocarcinoma. Identifiers: MedGen C0149978, MONDO:0002169.
Familial adenomatous polyposis 1 (FAP1). Also called: FAMILIAL ADENOMATOUS POLYPOSIS 1, ATTENUATED; POLYPOSIS, ADENOMATOUS INTESTINAL. Identifiers: MedGen C2713442, MONDO:0021056, OMIM 175100. Disease mechanism: loss of function.

Submissions (2):

Labcorp Genetics (formerly Invitae), Labcorp
Classification: Uncertain significance for Familial adenomatous polyposis 1. Last evaluated: 2024-02-10. Review status: criteria provided, single submitter. Criteria: Invitae Variant Classification Sherloc (09022015). Collection method: clinical testing. Allele origin: germline.
Comment: This sequence change replaces lysine, which is basic and polar, with arginine, which is basic and polar, at codon 2051 of the APC protein (p.Lys2051Arg). This variant is not present in population databases (gnomAD no frequency). This variant has not been reported in the literature in individuals affected with APC-related conditions. ClinVar contains an entry for this variant (Variation ID: 559958). Advanced modeling of protein sequence and biophysical properties (such as structural, functional, and spatial information, amino acid conservation, physicochemical variation, residue mobility, and thermodynamic stability) performed at Invitae indicates that this missense variant is not expected to disrupt APC protein function with a negative predictive value of 95%. In summary, the available evidence is currently insufficient to determine the role of this variant in disease. Therefore, it has been classified as a Variant of Uncertain Significance.

3DMed Clinical Laboratory Inc
Classification: Uncertain significance for Rectal Adenocarcinoma. Last evaluated: 2017-11-15. Review status: no assertion criteria provided. Criteria: ACMG Guidelines, 2015. Collection method: clinical testing. Allele origin: germline. Affected: yes. Not counted in ClinVar's aggregate classification.